The following is an entry in ClinVar:

ClinVar aggregate classification (germline): Uncertain significance (1 of 4 stars; one submission).

Allele frequency attached by ClinVar (database versions not stated): gnomAD exomes below 0.00001; ExAC 0.00001; gnomAD 0.00001; TOPMed 0.00001; 1000 Genomes Project 30x 0.00016; 1000 Genomes Project 0.00020.
gnomAD v4.1: 8 of 1,526,412 alleles (0.00052%); highest among the groups gnomAD compares: East Asian, 0.019%; no homozygotes.

Submission:

Labcorp Genetics (formerly Invitae), Labcorp
Classification: Uncertain significance. Last evaluated: 2024-09-27. Review status: criteria provided, single submitter. Criteria: Invitae Variant Classification Sherloc (09022015). Collection method: clinical testing. Allele origin: germline.
Comment: This sequence change replaces serine, which is neutral and polar, with leucine, which is neutral and non-polar, at codon 511 of the KANK2 protein (p.Ser511Leu). This variant is present in population databases (rs200616193, gnomAD 0.02%). This variant has not been reported in the literature in individuals affected with KANK2-related conditions. An algorithm developed to predict the effect of missense changes on protein structure and function (PolyPhen-2) suggests that this variant is likely to be tolerated. In summary, the available evidence is currently insufficient to determine the role of this variant in disease. Therefore, it has been classified as a Variant of Uncertain Significance.

NM_001136191.3(KANK2):c.1532C>T (p.Ser511Leu)

Gene: KANK2 (KN motif and ankyrin repeat domains 2; minus strand). Cytogenetic location: 19p13.2.
Variant type: single nucleotide variant.
Coding change: c.1532C>T on transcript NM_001136191.3 (MANE Select); coding-DNA position 1532, C replaced by T.
Protein change: p.Ser511Leu; replaces serine 511 with leucine.
Molecular consequence: missense variant.
Genome position (GRCh38, 1-based): chr19:11,176,806, G>A on the plus strand (C>T on the coding strand, the complement: KANK2 is on the minus strand). VCF-style: chr19-11176806-G-A. GRCh37 (hg19) VCF-style: chr19-11287482-G-A.
Other names: c.1532C>T, p.Ser511Leu (NM_001329451.2, NM_001379555.1, NM_001379556.1 and 7 more transcripts); c.1556C>T, p.Ser519Leu (NM_001379548.1, NM_001379549.1, NM_001379550.1 and 5 more transcripts); short protein forms S511L, S519L.
Identifiers: ClinVar variation 2963067 (VCV002963067.3), dbSNP rs200616193, ClinGen allele CA9205602.